The following is an entry in ClinVar:

NM_005732.4(RAD50):c.1717A>C (p.Lys573Gln)

Gene: RAD50 (RAD50 double strand break repair protein; plus strand). Cytogenetic location: 5q31.1.
Variant type: single nucleotide variant.
Coding change: c.1717A>C on transcript NM_005732.4 (MANE Select); coding-DNA position 1717, A replaced by C.
Protein change: p.Lys573Gln; replaces lysine 573 with glutamine.
Molecular consequence: missense variant.
Genome position (GRCh38, 1-based): chr5:132,591,958, A>C. VCF-style: chr5-132591958-A-C. GRCh37 (hg19) VCF-style: chr5-131927650-A-C.
Other names: short protein forms K573Q.
Identifiers: ClinVar variation 819896 (VCV000819896.13), dbSNP rs1580994875, ClinGen allele CA360946497.
Genomic context (GRCh38, chr5:132,591,958, plus strand): 5'-AGAAAAATAAAATCTAGGCACAGTGATGAATTAACCTCACTGTTGGGATATTTTCCCAAC[A>C]AAAAACAGCTTGAAGACTGGCTACATAGTAAATCAAAAGAAATTAATCAGACCAGGGACA-3'
Protein context (NP_005723.2, residues 563-583): LTSLLGYFPN[Lys573Gln]KQLEDWLHSK

ClinVar aggregate classification (germline): Uncertain significance. Review status: criteria provided, multiple submitters, no conflicts (2 of 4 stars). 2 submissions from 2 submitters: Uncertain significance (2). Last evaluated 2025-10-22.

Conditions:
Hereditary cancer-predisposing syndrome. Also called: Neoplastic Syndromes, Hereditary; Tumor predisposition; Hereditary Cancer Syndrome; Hereditary neoplastic syndrome. Identifiers: Orphanet 140162, MedGen C0027672, MeSH D009386, MONDO:0015356.

Submissions (2):

Ambry Genetics
Classification: Uncertain significance for Hereditary cancer-predisposing syndrome. Last evaluated: 2025-10-22. Review status: criteria provided, single submitter. Criteria: Ambry Variant Classification Scheme 2023. Collection method: clinical testing. Allele origin: germline.
Comment: The p.K573Q variant (also known as c.1717A>C), located in coding exon 11 of the RAD50 gene, results from an A to C substitution at nucleotide position 1717. The lysine at codon 573 is replaced by glutamine, an amino acid with similar properties. This amino acid position is highly conserved in available vertebrate species. In addition, this alteration is predicted to be tolerated by in silico analysis. Since supporting evidence is limited at this time, the clinical significance of this alteration remains unclear.

Labcorp Genetics (formerly Invitae), Labcorp
Classification: Uncertain significance for Hereditary cancer-predisposing syndrome. Last evaluated: 2021-01-28. Review status: criteria provided, single submitter. Criteria: Invitae Variant Classification Sherloc (09022015). Collection method: clinical testing. Allele origin: germline.
Comment: In summary, the available evidence is currently insufficient to determine the role of this variant in disease. Therefore, it has been classified as a Variant of Uncertain Significance. Algorithms developed to predict the effect of missense changes on protein structure and function are either unavailable or do not agree on the potential impact of this missense change (SIFT: "Tolerated"; PolyPhen-2: "Probably Damaging"; Align-GVGD: "Class C0"). This variant has not been reported in the literature in individuals with RAD50-related conditions. ClinVar contains an entry for this variant (Variation ID: 819896). This variant is not present in population databases (ExAC no frequency). This sequence change replaces lysine with glutamine at codon 573 of the RAD50 protein (p.Lys573Gln). The lysine residue is moderately conserved and there is a small physicochemical difference between lysine and glutamine.